The following is an entry in ClinVar:

NM_000232.5(SGCB):c.939C>T (p.Pro313=)

Gene: SGCB (sarcoglycan beta; minus strand). Cytogenetic location: 4q12.
Variant type: single nucleotide variant.
Coding change: c.939C>T on transcript NM_000232.5 (MANE Select); coding-DNA position 939, C replaced by T.
Protein change: p.Pro313=; no amino-acid change (proline 313 retained).
Molecular consequence: synonymous variant.
Genome position (GRCh38, 1-based): chr4:52,023,975, G>A on the plus strand (C>T on the coding strand, the complement: SGCB is on the minus strand). VCF-style: chr4-52023975-G-A. GRCh37 (hg19) VCF-style: chr4-52890141-G-A.
Identifiers: ClinVar variation 767636 (VCV000767636.38), dbSNP rs375438506, ClinGen allele CA2918239.
Genomic context (GRCh38, chr4:52,023,975, plus strand): 5'-TCAAGTCAAGATATAAACATGTTGGTGACCTCTGGGGTTCTTTTAATGAGTGTTTCCACA[G>A]GGGTTGTCTGAGATTTGGCAGCCCATGTTCTGGCTGGTTACTTGCACCTTGAAGAGCGTC-3'
Protein context (NP_000223.1, residues 303-318): QNMGCQISDN[Pro313=]CGNTH

ClinVar aggregate classification (germline): Conflicting classifications of pathogenicity. Review status: criteria provided, conflicting classifications (1 of 4 stars). 3 submissions from 3 submitters: Uncertain significance (1); Likely benign (2). Last evaluated 2025-11-22.

Conditions:
Qualitative or quantitative defects of beta-sarcoglycan. Identifiers: Orphanet 207063, MedGen C2930900, MONDO:0016142.
Autosomal recessive limb-girdle muscular dystrophy type 2E (LGMDR4). Also called: MUSCULAR DYSTROPHY, LIMB-GIRDLE, AUTOSOMAL RECESSIVE 4. Identifiers: Orphanet 119, MedGen C1858593, MONDO:0011423, OMIM 604286. Disease mechanism: Affects gamma-sarcoglycan and also disrupts the integrity of the entire sarcoglycan complex..

Allele frequency attached by ClinVar (database versions not stated): ExAC 0.00002; gnomAD exomes 0.00002 and 0.00003; gnomAD 0.00003 and 0.00004; TOPMed 0.00003; ESP Exome Variant Server 0.00008.
gnomAD v4.1: 32 of 1,613,990 alleles (0.002%); highest among the groups gnomAD compares: Non-Finnish European, 0.0025%; no homozygotes.

Submissions (3):

Labcorp Genetics (formerly Invitae), Labcorp
Classification: Likely benign for Autosomal recessive limb-girdle muscular dystrophy type 2E. Last evaluated: 2025-11-22. Review status: criteria provided, single submitter. Criteria: Invitae Variant Classification Sherloc (09022015). Collection method: clinical testing. Allele origin: germline.

CeGaT Center for Human Genetics Tuebingen
Classification: Likely benign. Last evaluated: 2022-09-01. Review status: criteria provided, single submitter. Criteria: CeGaT Center For Human Genetics Tuebingen Variant Classification Criteria Version 2. Collection method: clinical testing. Allele origin: germline. Affected: yes. Observed: 2 variant alleles.
Comment: SGCB: BP4, BP7

Illumina Laboratory Services, Illumina
Classification: Uncertain significance for Qualitative or quantitative defects of beta-sarcoglycan. Last evaluated: 2018-01-12. Review status: criteria provided, single submitter. Criteria: ICSL Variant Classification Criteria 13 December 2019. Collection method: clinical testing. Allele origin: germline.